The following is an entry in ClinVar:

NM_001369.3(DNAH5):c.9511A>C (p.Thr3171Pro)

Gene: DNAH5 (dynein axonemal heavy chain 5; minus strand). Cytogenetic location: 5p15.2.
Variant type: single nucleotide variant.
Coding change: c.9511A>C on transcript NM_001369.3 (MANE Select); coding-DNA position 9511, A replaced by C.
Protein change: p.Thr3171Pro; replaces threonine 3171 with proline.
Molecular consequence: missense variant.
Genome position (GRCh38, 1-based): chr5:13,770,843, T>G on the plus strand (A>C on the coding strand, the complement: DNAH5 is on the minus strand). VCF-style: chr5-13770843-T-G. GRCh37 (hg19) VCF-style: chr5-13770952-T-G.
Other names: short protein forms T3171P.
Identifiers: ClinVar variation 1906621 (VCV001906621.2), dbSNP rs149681419, ClinGen allele CA359204589.

ClinVar aggregate classification (germline): Uncertain significance (1 of 4 stars; one submission).

Conditions:
Primary ciliary dyskinesia. Also called: Ciliary dyskinesia. Identifiers: Orphanet 244, MedGen C0008780, MONDO:0016575, HP:0012265.

Submission:

Labcorp Genetics (formerly Invitae), Labcorp
Classification: Uncertain significance for Primary ciliary dyskinesia. Last evaluated: 2022-09-12. Review status: criteria provided, single submitter. Criteria: Invitae Variant Classification Sherloc (09022015). Collection method: clinical testing. Allele origin: germline.
Comment: This sequence change replaces threonine, which is neutral and polar, with proline, which is neutral and non-polar, at codon 3171 of the DNAH5 protein (p.Thr3171Pro). This variant is not present in population databases (gnomAD no frequency). This variant has not been reported in the literature in individuals affected with DNAH5-related conditions. Advanced modeling of protein sequence and biophysical properties (such as structural, functional, and spatial information, amino acid conservation, physicochemical variation, residue mobility, and thermodynamic stability) performed at Invitae indicates that this missense variant is not expected to disrupt DNAH5 protein function. In summary, the available evidence is currently insufficient to determine the role of this variant in disease. Therefore, it has been classified as a Variant of Uncertain Significance.